The following is an entry in ClinVar:

NM_015047.3(EMC1):c.2758C>T (p.Arg920Ter)

Genes: EMC1-AS1 (EMC1 antisense RNA 1; plus strand), EMC1 (ER membrane protein complex subunit 1; minus strand). Cytogenetic location: 1p36.13.
Variant type: single nucleotide variant.
Coding change: c.2758C>T on transcript NM_015047.3 (MANE Select); coding-DNA position 2758, C replaced by T.
Protein change: p.Arg920Ter; replaces arginine 920 with a stop codon.
Molecular consequence: nonsense.
Genome position (GRCh38, 1-based): chr1:19,219,613, G>A on the plus strand (C>T on the coding strand, the complement: EMC1 is on the minus strand). VCF-style: chr1-19219613-G-A. GRCh37 (hg19) VCF-style: chr1-19546107-G-A.
Other names: c.2755C>T, p.Arg919Ter (NM_001271427.2, NM_001271428.2); c.2692C>T, p.Arg898Ter (NM_001271429.2); c.2767C>T, p.Arg923Ter (NM_001375820.1); c.2764C>T, p.Arg922Ter (NM_001375821.1); short protein forms R922*, R923*, R898*, R919*, R920*.
Identifiers: ClinVar variation 1405730 (VCV001405730.11), dbSNP rs548595466, ClinGen allele CA652154.

ClinVar aggregate classification (germline): Uncertain significance. Review status: criteria provided, multiple submitters, no conflicts (2 of 4 stars). 3 submissions from 3 submitters: Uncertain significance (3). Last evaluated 2026-02-26.

Submissions (3):

Dasa
Classification: Uncertain significance. Last evaluated: 2026-02-26. Review status: criteria provided, single submitter. Criteria: DASA Assertion Criteria. Collection method: clinical testing. Allele origin: germline.
Comment: NM_015047.3(EMC1):c.2758C>T (p.Arg920*) is a nonsense variant in EMC1 predicted to introduce a premature termination codon and is predicted to result in an absent or altered protein product. This variant is rare in population databases. The currently available literature and clinical evidence are not sufficient to establish a definitive association between this variant and the reported condition. Therefore, this variant is classified as a variant of uncertain significance.

Labcorp Genetics (formerly Invitae), Labcorp
Classification: Uncertain significance. Last evaluated: 2024-06-30. Review status: criteria provided, single submitter. Criteria: Invitae Variant Classification Sherloc (09022015). Collection method: clinical testing. Allele origin: germline.
Comment: This sequence change creates a premature translational stop signal (p.Arg920*) in the EMC1 gene. While this is not anticipated to result in nonsense mediated decay, it is expected to disrupt the last 74 amino acid(s) of the EMC1 protein. This variant is present in population databases (rs548595466, gnomAD 0.0009%). This variant has not been reported in the literature in individuals affected with EMC1-related conditions. ClinVar contains an entry for this variant (Variation ID: 1405730). Algorithms developed to predict the effect of sequence changes on RNA splicing suggest that this variant may disrupt the consensus splice site. In summary, the available evidence is currently insufficient to determine the role of this variant in disease. Therefore, it has been classified as a Variant of Uncertain Significance.

Blueprint Genetics
Classification: Uncertain significance. Last evaluated: 2024-04-29. Review status: criteria provided, single submitter. Criteria: ACMG Guidelines, 2015. Collection method: clinical testing. Allele origin: germline.